The following is an entry in ClinVar:

NM_001040142.2(SCN2A):c.3265G>T (p.Glu1089Ter)

Gene: SCN2A (sodium voltage-gated channel alpha subunit 2; plus strand). Cytogenetic location: 2q24.3.
Variant type: single nucleotide variant.
Coding change: c.3265G>T on transcript NM_001040142.2 (MANE Select); coding-DNA position 3265, G replaced by T.
Protein change: p.Glu1089Ter; replaces glutamic acid 1089 with a stop codon.
Molecular consequence: nonsense.
Genome position (GRCh38, 1-based): chr2:165,354,537, G>T. VCF-style: chr2-165354537-G-T. GRCh37 (hg19) VCF-style: chr2-166211047-G-T.
Other names: c.3265G>T, p.Glu1089Ter (NM_001040143.2, NM_001371246.1, NM_001371247.1 and 1 more transcripts); short protein forms E1089*.
Identifiers: ClinVar variation 5007661 (VCV005007661.1).

ClinVar aggregate classification (germline): Likely pathogenic (1 of 4 stars; one submission).

Conditions:
Developmental and epileptic encephalopathy, 11 (DEE11). Also called: Early infantile epileptic encephalopathy 11. Identifiers: Orphanet 1934, MedGen C3150987, MONDO:0013388, OMIM 613721.
Seizures, benign familial infantile, 3 (BFIS3). Also called: CONVULSIONS, BENIGN FAMILIAL INFANTILE, 3; Familial neonatal seizures. Identifiers: Orphanet 140927, Orphanet 306, MedGen C1843140, MONDO:0011904, OMIM 607745.
Episodic ataxia, type 9. Identifiers: MedGen C5394520, MONDO:0030064, OMIM 618924.

Submission:

Juno Genomics, Hangzhou Juno Genomics, Inc
Classification: Likely pathogenic for Seizures, benign familial infantile, 3; Developmental and epileptic encephalopathy, 11; Episodic ataxia, type 9. Review status: criteria provided, single submitter. Criteria: ACMG Guidelines, 2015. Collection method: clinical testing. Allele origin: germline. Affected: yes.
Comment: Absent from controls (or at extremely low frequency if recessive) in Genome Aggregation Database.;Null variant in a gene where loss of function (LOF) is a known mechanism of disease.